The following is an entry in ClinVar:

NM_020207.7(ERCC6L2):c.2918G>C (p.Arg973Thr)

Gene: ERCC6L2 (ERCC excision repair 6 like 2; plus strand). Cytogenetic location: 9q22.32.
Variant type: single nucleotide variant.
Coding change: c.2918G>C on transcript NM_020207.7 (MANE Select); coding-DNA position 2918, G replaced by C.
Protein change: p.Arg973Thr; replaces arginine 973 with threonine.
Molecular consequence: missense variant. On other transcripts: non-coding transcript variant (1).
Genome position (GRCh38, 1-based): chr9:95,972,669, G>C. VCF-style: chr9-95972669-G-C. GRCh37 (hg19) VCF-style: chr9-98734951-G-C.
Other names: c.2918G>C, p.Arg973Thr (NM_001375291.1, NM_001375292.1, NM_001375293.1 and 1 more transcripts); short protein forms R973T.
Identifiers: ClinVar variation 1466283 (VCV001466283.4), dbSNP rs769017666, ClinGen allele CA5139841.

ClinVar aggregate classification (germline): Uncertain significance (1 of 4 stars; one submission).

Allele frequency attached by ClinVar (database versions not stated): gnomAD exomes below 0.00001 and 0.00002; gnomAD 0.00001; ExAC 0.00007.
gnomAD v4.1: 7 of 1,298,200 alleles (0.00054%); highest among the groups gnomAD compares: Admixed American, 0.0023%; no homozygotes.

Submission:

Labcorp Genetics (formerly Invitae), Labcorp
Classification: Uncertain significance. Last evaluated: 2025-11-23. Review status: criteria provided, single submitter. Criteria: Invitae Variant Classification Sherloc (09022015). Collection method: clinical testing. Allele origin: germline.
Comment: This sequence change replaces arginine, which is basic and polar, with threonine, which is neutral and polar, at codon 984 of the ERCC6L2 protein (p.Arg984Thr). This variant is present in population databases (rs769017666, gnomAD 0.006%). This variant has not been reported in the literature in individuals affected with ERCC6L2-related conditions. ClinVar contains an entry for this variant (Variation ID: 1466283). Experimental studies and prediction algorithms are not available or were not evaluated, and the functional significance of this variant is currently unknown. In summary, the available evidence is currently insufficient to determine the role of this variant in disease. Therefore, it has been classified as a Variant of Uncertain Significance.